The following is an entry in ClinVar:

NM_003153.5(STAT6):c.1400G>A (p.Arg467Gln)

Gene: STAT6 (signal transducer and activator of transcription 6; minus strand). Cytogenetic location: 12q13.3.
Variant type: single nucleotide variant.
Coding change: c.1400G>A on transcript NM_003153.5 (MANE Select); coding-DNA position 1400, G replaced by A.
Protein change: p.Arg467Gln; replaces arginine 467 with glutamine.
Molecular consequence: missense variant. On other transcripts: non-coding transcript variant (1).
Genome position (GRCh38, 1-based): chr12:57,102,402, C>T on the plus strand (G>A on the coding strand, the complement: STAT6 is on the minus strand). VCF-style: chr12-57102402-C-T. GRCh37 (hg19) VCF-style: chr12-57496185-C-T.
Other names: c.1400G>A, p.Arg467Gln (NM_001178078.2, NM_001178079.2); c.1070G>A, p.Arg357Gln (NM_001178080.2, NM_001178081.2); short protein forms R357Q, R467Q.
Identifiers: ClinVar variation 5039250 (VCV005039250.1).

ClinVar aggregate classification (germline): Likely benign (1 of 4 stars; one submission).

gnomAD v4.1: 43 of 1,614,052 alleles (0.0027%); highest among the groups gnomAD compares: East Asian, 0.029%; no homozygotes.

Submission:

CeGaT Center for Human Genetics Tuebingen
Classification: Likely benign. Last evaluated: 2026-07-01. Review status: criteria provided, single submitter. Criteria: CeGaT Center For Human Genetics Tuebingen Variant Classification Criteria Version 2. Collection method: clinical testing. Allele origin: germline. Affected: yes. Observed: 1 variant allele.
Comment: STAT6: PP2, BS2